The following is an entry in ClinVar:

ClinVar aggregate classification (germline): Uncertain significance. Review status: criteria provided, multiple submitters, no conflicts (2 of 4 stars). 3 submissions from 3 submitters: Uncertain significance (3). Last evaluated 2025-07-15.

Allele frequency attached by ClinVar (database versions not stated): ExAC 0.00002; gnomAD 0.00004; TOPMed 0.00004; gnomAD exomes 0.00005 and 0.00006; ESP Exome Variant Server 0.00008.

Submissions (3):

Ambry Genetics
Classification: Uncertain significance. Last evaluated: 2025-07-15. Review status: criteria provided, single submitter. Criteria: Ambry Variant Classification Scheme 2023. Collection method: clinical testing. Allele origin: germline.

Labcorp Genetics (formerly Invitae), Labcorp
Classification: Uncertain significance. Last evaluated: 2024-12-04. Review status: criteria provided, single submitter. Criteria: Invitae Variant Classification Sherloc (09022015). Collection method: clinical testing. Allele origin: germline.
Comment: This sequence change replaces arginine, which is basic and polar, with cysteine, which is neutral and slightly polar, at codon 392 of the ZNF513 protein (p.Arg392Cys). This variant is present in population databases (rs370749919, gnomAD 0.01%). This variant has not been reported in the literature in individuals affected with ZNF513-related conditions. ClinVar contains an entry for this variant (Variation ID: 1506097). An algorithm developed to predict the effect of missense changes on protein structure and function (PolyPhen-2) suggests that this variant is likely to be disruptive. In summary, the available evidence is currently insufficient to determine the role of this variant in disease. Therefore, it has been classified as a Variant of Uncertain Significance.

Blueprint Genetics
Classification: Uncertain significance. Last evaluated: 2022-07-27. Review status: criteria provided, single submitter. Criteria: ACMG Guidelines, 2015. Collection method: clinical testing. Allele origin: germline.

NM_144631.6(ZNF513):c.1174C>T (p.Arg392Cys)

Gene: ZNF513 (zinc finger protein 513; minus strand). Cytogenetic location: 2p23.3.
Variant type: single nucleotide variant.
Coding change: c.1174C>T on transcript NM_144631.6 (MANE Select); coding-DNA position 1174, C replaced by T.
Protein change: p.Arg392Cys; replaces arginine 392 with cysteine.
Molecular consequence: missense variant.
Genome position (GRCh38, 1-based): chr2:27,377,997, G>A on the plus strand (C>T on the coding strand, the complement: ZNF513 is on the minus strand). VCF-style: chr2-27377997-G-A. GRCh37 (hg19) VCF-style: chr2-27600864-G-A.
Other names: c.1174C>T (NM_144631.5); c.988C>T, p.Arg330Cys (NM_001201459.2); short protein forms R330C, R392C.
Identifiers: ClinVar variation 1506097 (VCV001506097.11), dbSNP rs370749919, ClinGen allele CA1577843.